The following is an entry in ClinVar:

NM_000053.4(ATP7B):c.51+5G>A

Gene: ATP7B (ATPase copper transporting beta; minus strand). Cytogenetic location: 13q14.3.
Variant type: single nucleotide variant.
Coding change: c.51+5G>A on transcript NM_000053.4 (MANE Select); 5 bases into the intron after coding-DNA position 51, G replaced by A.
Molecular consequence: intron variant.
Genome position (GRCh38, 1-based): chr13:52,011,282, C>T on the plus strand (G>A on the coding strand, the complement: ATP7B is on the minus strand). VCF-style: chr13-52011282-C-T. GRCh37 (hg19) VCF-style: chr13-52585418-C-T.
Other names: c.51+5G>A (NM_001406541.1, NM_001406524.1, NM_001406514.1 and 30 more transcripts); c.-137+5G>A (NM_001406518.1); c.-79+5G>A (NM_001406539.1, NM_001406543.1).
Identifiers: ClinVar variation 3576335 (VCV003576335.2).

ClinVar aggregate classification (germline): Conflicting classifications of pathogenicity. Review status: criteria provided, conflicting classifications (1 of 4 stars). 2 submissions from 2 submitters: Likely pathogenic (1); Uncertain significance (1). Last evaluated 2025-09-24.

Conditions:
Wilson disease (WND). Also called: Wilson's disease. Identifiers: Orphanet 905, MedGen C0019202, MONDO:0010200, OMIM 277900. Disease mechanism: loss of function.

gnomAD v4.1: 3 of 1,614,108 alleles (0.00019%); highest among the groups gnomAD compares: African/African-American, 0.004%; no homozygotes.

Submissions (2):

Myriad Genetics, Inc.
Classification: Uncertain significance for Wilson disease. Last evaluated: 2025-09-24. Review status: criteria provided, single submitter. Criteria: Myriad Autosomal Dominant, Autosomal Recessive and X-Linked Classification Criteria (2023). Collection method: clinical testing. Allele origin: unknown.
Comment: NM_000053.3(ATP7B):c.51+5G>A is an intronic variant classified as a variant of uncertain significance in the context of Wilson disease. c.51+5G>A has been observed in a case with relevant disease (PMID: 30655162). Relevant functional assessments of this variant are not available in the literature. c.51+5G>A has been observed in referenced population frequency databases. In summary, there is insufficient evidence to classify NM_000053.3(ATP7B):c.51+5G>A as pathogenic or benign. Please note: this variant was assessed in the context of healthy population screening.

Fulgent Genetics
Classification: Likely pathogenic for Wilson disease. Last evaluated: 2024-05-30. Review status: criteria provided, single submitter. Criteria: ACMG Guidelines, 2015. Collection method: clinical testing. Allele origin: germline.

Literature cited by the submitters: PubMed 30655162 (cited by Myriad Genetics, Inc.).